The following is an entry in ClinVar:

NM_006506.5(RASA2):c.361G>A (p.Val121Ile)

Gene: RASA2 (RAS p21 protein activator 2; plus strand). Cytogenetic location: 3q23.
Variant type: single nucleotide variant.
Coding change: c.361G>A on transcript NM_006506.5 (MANE Select); coding-DNA position 361, G replaced by A.
Protein change: p.Val121Ile; replaces valine 121 with isoleucine.
Molecular consequence: missense variant.
Genome position (GRCh38, 1-based): chr3:141,529,713, G>A. VCF-style: chr3-141529713-G-A. GRCh37 (hg19) VCF-style: chr3-141248555-G-A.
Other names: c.361G>A, p.Val121Ile (NM_001303245.3, NM_001303246.3); short protein forms V121I.
Identifiers: ClinVar variation 3671789 (VCV003671789.2).

ClinVar aggregate classification (germline): Uncertain significance (1 of 4 stars; one submission).

gnomAD v4.1: 3 of 1,608,448 alleles (0.00019%); highest among the groups gnomAD compares: Admixed American, 0.0033%; no homozygotes.

Submission:

Labcorp Genetics (formerly Invitae), Labcorp
Classification: Uncertain significance. Last evaluated: 2024-03-25. Review status: criteria provided, single submitter. Criteria: Invitae Variant Classification Sherloc (09022015). Collection method: clinical testing. Allele origin: germline.
Comment: This sequence change replaces valine, which is neutral and non-polar, with isoleucine, which is neutral and non-polar, at codon 121 of the RASA2 protein (p.Val121Ile). This variant is not present in population databases (gnomAD no frequency). This variant has not been reported in the literature in individuals affected with RASA2-related conditions. Advanced modeling of protein sequence and biophysical properties (such as structural, functional, and spatial information, amino acid conservation, physicochemical variation, residue mobility, and thermodynamic stability) performed at Invitae indicates that this missense variant is not expected to disrupt RASA2 protein function with a negative predictive value of 80%. In summary, the available evidence is currently insufficient to determine the role of this variant in disease. Therefore, it has been classified as a Variant of Uncertain Significance.